The following is an entry in ClinVar:

ClinVar aggregate classification (germline): Uncertain significance (1 of 4 stars; one submission).

gnomAD v4.1: 13 of 1,614,016 alleles (0.00081%); highest among the groups gnomAD compares: Non-Finnish European, 0.0011%; no homozygotes.

Submission:

Labcorp Genetics (formerly Invitae), Labcorp
Classification: Uncertain significance. Last evaluated: 2025-04-10. Review status: criteria provided, single submitter. Criteria: Invitae Variant Classification Sherloc (09022015). Collection method: clinical testing. Allele origin: germline.
Comment: This sequence change replaces alanine, which is neutral and non-polar, with threonine, which is neutral and polar, at codon 2282 of the FLNB protein (p.Ala2282Thr). This variant is not present in population databases (gnomAD no frequency). This missense change has been observed in individual(s) with clinical features of FLNB conditions (PMID: 32381728). Invitae Evidence Modeling of protein sequence and biophysical properties (such as structural, functional, and spatial information, amino acid conservation, physicochemical variation, residue mobility, and thermodynamic stability) indicates that this missense variant is not expected to disrupt FLNB protein function with a negative predictive value of 95%. In summary, the available evidence is currently insufficient to determine the role of this variant in disease. Therefore, it has been classified as a Variant of Uncertain Significance.

Literature cited by the submitters: PubMed 32381728.

NM_001457.4(FLNB):c.6844G>A (p.Ala2282Thr)

Gene: FLNB (filamin B; plus strand). Cytogenetic location: 3p14.3.
Variant type: single nucleotide variant.
Coding change: c.6844G>A on transcript NM_001457.4 (MANE Select); coding-DNA position 6844, G replaced by A.
Protein change: p.Ala2282Thr; replaces alanine 2282 with threonine.
Molecular consequence: missense variant.
Genome position (GRCh38, 1-based): chr3:58,156,031, G>A. VCF-style: chr3-58156031-G-A. GRCh37 (hg19) VCF-style: chr3-58141758-G-A.
Other names: c.6937G>A, p.Ala2313Thr (NM_001164317.2); c.6811G>A, p.Ala2271Thr (NM_001164318.2); c.6772G>A, p.Ala2258Thr (NM_001164319.2); short protein forms A2282T, A2313T, A2258T, A2271T.
Identifiers: ClinVar variation 4698250 (VCV004698250.1).